The following is an entry in ClinVar:

NM_022763.4(FNDC3B):c.687T>C (p.His229=)

Gene: FNDC3B (fibronectin type III domain containing 3B; plus strand). Cytogenetic location: 3q26.31.
Variant type: single nucleotide variant.
Coding change: c.687T>C on transcript NM_022763.4 (MANE Select); coding-DNA position 687, T replaced by C.
Protein change: p.His229=; no amino-acid change (histidine 229 retained).
Molecular consequence: synonymous variant.
Genome position (GRCh38, 1-based): chr3:172,251,438, T>C. VCF-style: chr3-172251438-T-C. GRCh37 (hg19) VCF-style: chr3-171969228-T-C.
Other names: c.687T>C, p.His229= (NM_001135095.2).
Identifiers: ClinVar variation 3056937 (VCV003056937.2), dbSNP rs35366330, ClinGen allele CA2705427.

ClinVar aggregate classification (germline): Benign (0 of 4 stars; one submission).

Conditions:
FNDC3B-related disorder. Also called: FNDC3B-related condition.

Allele frequency attached by ClinVar (database versions not stated): gnomAD exomes 0.01437; ExAC 0.02316; 1000 Genomes Project 0.04772; 1000 Genomes Project 30x 0.05215; gnomAD 0.05461; TOPMed 0.06190; ESP Exome Variant Server 0.06243.
gnomAD v4.1: 29,786 of 1,613,822 alleles (1.8%); highest among the groups gnomAD compares: African/African-American, 16%; 1,184 homozygotes.

Submission:

PreventionGenetics, part of Exact Sciences
Classification: Benign for FNDC3B-related condition. Last evaluated: 2019-12-11. Review status: no assertion criteria provided. Collection method: clinical testing. Allele origin: germline.
Comment: This variant is classified as benign based on ACMG/AMP sequence variant interpretation guidelines (Richards et al. 2015 PMID: 25741868, with internal and published modifications).